The following is an entry in ClinVar:

NM_001278716.2(FBXL4):c.1694A>G (p.Asp565Gly)

Gene: FBXL4 (F-box and leucine rich repeat protein 4; minus strand). Cytogenetic location: 6q16.1.
Variant type: single nucleotide variant.
Coding change: c.1694A>G on transcript NM_001278716.2 (MANE Select); coding-DNA position 1694, A replaced by G.
Protein change: p.Asp565Gly; replaces aspartic acid 565 with glycine.
Molecular consequence: missense variant. On other transcripts: non-coding transcript variant (1).
Genome position (GRCh38, 1-based): chr6:98,875,423, T>C on the plus strand (A>G on the coding strand, the complement: FBXL4 is on the minus strand). VCF-style: chr6-98875423-T-C. GRCh37 (hg19) VCF-style: chr6-99323299-T-C.
Other names: c.1694A>G, p.Asp565Gly (NM_012160.5); short protein forms D565G.
Identifiers: ClinVar variation 66094 (VCV000066094.3), dbSNP rs398123062, ClinGen allele CA144893.

ClinVar aggregate classification (germline): Likely pathogenic. Review status: criteria provided, multiple submitters, no conflicts (2 of 4 stars). 3 submissions from 3 submitters: Likely pathogenic (2). 1 of the submissions does not count toward it. Last evaluated 2024-02-18.

Conditions:
Mitochondrial DNA depletion syndrome 13. Also called: Mitochondrial DNA depletion syndrome 13 (encephalomyopathic type); FBXL4-Related Encephalomyopathic Mitochondrial DNA Depletion Syndrome. Identifiers: Orphanet 369897, MedGen C3809592, MONDO:0014198, OMIM 615471.

Allele frequency attached by ClinVar (database versions not stated): gnomAD exomes below 0.00001.
gnomAD v4.1: 1 of 1,613,878 alleles (0.000062%); highest among the groups gnomAD compares: Non-Finnish European, 0.000085%; no homozygotes.

Submissions (3):

Labcorp Genetics (formerly Invitae), Labcorp
Classification: Likely pathogenic. Last evaluated: 2024-02-18. Review status: criteria provided, single submitter. Criteria: Invitae Variant Classification Sherloc (09022015). Collection method: clinical testing. Allele origin: germline.
Comment: This sequence change replaces aspartic acid, which is acidic and polar, with glycine, which is neutral and non-polar, at codon 565 of the FBXL4 protein (p.Asp565Gly). This variant is not present in population databases (gnomAD no frequency). This missense change has been observed in individuals with mitochondrial DNA depletion syndrome (PMID: 23993194, 28940506, 33486010). ClinVar contains an entry for this variant (Variation ID: 66094). Advanced modeling of protein sequence and biophysical properties (such as structural, functional, and spatial information, amino acid conservation, physicochemical variation, residue mobility, and thermodynamic stability) performed at Invitae indicates that this missense variant is expected to disrupt FBXL4 protein function with a positive predictive value of 80%. In summary, the currently available evidence indicates that the variant is pathogenic, but additional data are needed to prove that conclusively. Therefore, this variant has been classified as Likely Pathogenic.

Wong Mito Lab, Molecular and Human Genetics, Baylor College of Medicine
Classification: Likely pathogenic for Mitochondrial DNA depletion syndrome 13. Last evaluated: 2017-08-10. Review status: criteria provided, single submitter. Criteria: ACMG Guidelines, 2015. Collection method: clinical testing. Allele origin: germline. Affected: yes.
Comment: The NM_012160.4:c.1694A>G (NP_036292.2:p.Asp565Gly) [GRCH38: NC_000006.12:g.98875423T>C] variant in FBXL4 gene is interpretated to be a Likely Pathogenic based on ACMG guidelines (PMID: 25741868). This variant has been reported in PMID:23993194 . This variant meets one or more of the following evidence codes reported in the ACMG-guideline. PM1:This variant is in mutational hot spot or a well-studied functional domain without benign variation. PM2:This variant is absent in key population databases. PP2:This is a missense variant in FBXL4 with a low rate of benign and high rate of pathogenic missense variations. PP4:Patientâ€™s phenotype or family history is highly specific for FBXL4. PP5:Reputable source(s) suggest that the variant is pathogenic. Based on this evidence code ClinGen Pathogenicity Calculator (PMID:28081714) suggested that the variant is Likely Pathogenic.

OMIM
Classification: Pathogenic for MITOCHONDRIAL DNA DEPLETION SYNDROME 13 (ENCEPHALOMYOPATHIC TYPE). Last evaluated: 2013-09-05. Review status: no assertion criteria provided. Collection method: literature only. Allele origin: germline. Not counted in ClinVar's aggregate classification.

Literature cited by the submitters: PubMed 23993194 (cited by 3 submitters); PubMed 28940506 (cited by Labcorp Genetics (formerly Invitae), Labcorp); PubMed 33486010 (cited by Labcorp Genetics (formerly Invitae), Labcorp).